The following is an entry in ClinVar:

NM_181672.3(OGT):c.1814T>G (p.Val605Gly)

Gene: OGT (O-linked N-acetylglucosamine (GlcNAc) transferase; plus strand). Cytogenetic location: Xq13.1.
Variant type: single nucleotide variant.
Coding change: c.1814T>G on transcript NM_181672.3 (MANE Select); coding-DNA position 1814, T replaced by G.
Protein change: p.Val605Gly; replaces valine 605 with glycine.
Molecular consequence: missense variant.
Genome position (GRCh38, 1-based): chrX:71,559,640, T>G. VCF-style: chrX-71559640-T-G. GRCh37 (hg19) VCF-style: chrX-70779490-T-G.
Other names: c.1784T>G, p.Val595Gly (NM_181673.3); short protein forms V605G, V595G.
Identifiers: ClinVar variation 5026079 (VCV005026079.1).

ClinVar aggregate classification (germline): Uncertain significance (1 of 4 stars; one submission).

Conditions:
Inborn genetic diseases. Identifiers: MedGen C0950123, MeSH D030342.

Submission:

Ambry Genetics
Classification: Uncertain significance for Inborn genetic diseases. Last evaluated: 2026-06-29. Review status: criteria provided, single submitter. Criteria: Ambry Variant Classification Scheme 2023. Collection method: clinical testing. Allele origin: germline.
Comment: The c.1814T>G (p.V605G) alteration is located in exon 14 (coding exon 14) of the OGT gene. This alteration results from a T to G substitution at nucleotide position 1814, causing the valine (V) at amino acid position 605 to be replaced by a glycine (G). This variant was not reported in population-based cohorts in the Genome Aggregation Database (gnomAD). This amino acid position is highly conserved in available vertebrate species. This missense variant is located in a region that has a low rate of benign missense variation (Lek, 2016; Firth, 2009). This alteration is predicted to be deleterious by in silico analysis. Based on insufficient or conflicting evidence, the clinical significance of this alteration remains unclear.